The following is an entry in ClinVar:

ClinVar aggregate classification (germline): Pathogenic/Likely pathogenic. Review status: criteria provided, multiple submitters, no conflicts (2 of 4 stars). 3 submissions from 3 submitters: Pathogenic (2); Likely pathogenic (1). Last evaluated 2025-11-12.

Conditions:
Multiple endocrine neoplasia, type 2 (MEN2). Identifiers: Orphanet 653, MedGen C4048306, MONDO:0019003. Disease mechanism: gain of function.
Hereditary cancer-predisposing syndrome. Also called: Neoplastic Syndromes, Hereditary; Hereditary neoplastic syndrome; Tumor predisposition; Hereditary Cancer Syndrome. Identifiers: Orphanet 140162, MedGen C0027672, MeSH D009386, MONDO:0015356.

Submissions (3):

Ambry Genetics
Classification: Likely pathogenic for Hereditary cancer-predisposing syndrome. Last evaluated: 2025-11-12. Review status: criteria provided, single submitter. Criteria: Ambry Variant Classification Scheme 2023. Collection method: clinical testing. Allele origin: germline.
Comment: The p.C609W variant (also known as c.1827C>G), located in coding exon 10 of the RET gene, results from a C to G substitution at nucleotide position 1827. The cysteine at codon 609 is replaced by tryptophan, an amino acid with highly dissimilar properties. This variant was reported in individual(s) with features consistent with RET-associated disease (Mulligan LM et al. Hum Mol Genet, 1994 Dec;3:2163-7; Lebeault M et al. Thyroid, 2017 Dec;27:1511-1522). Other variant(s) at the same codon, p.C609R (c.1825T>C), p.C609Y (c.1826G>A), have been identified in individual(s) with features consistent with RET-associated disease (Barbieri RB et al. Clin. Endocrinol. (Oxf) 2013 Aug;79(2):288-93; Bugalho MJ et al. Surgery 2007 Jan;141(1):90-5; Frank-Raue K et al. Hum. Mutat. 2011 Jan;32(1):51-8; Vertanen VB et al. Endocr. Relat. Cancer 2013 Aug;20(4):595-602; Elisei R et al. J. Clin. Endocrinol. Metab. 2007 Dec;92(12):4725-9; Blaugrund JE et al. Hum. Mol. Genet. 1994 Oct;3(10):1895-7; Decker RA et al. Hum. Mol. Genet. 1998 Jan;7(1):129-34; Fialkowski EA et al. J. Pediatr. Surg. 2008 Jan;43(1):188-90; Vaclavikova et al. Pediatr. Surg. Int. 2012 Feb;28(2):123-8; Muth et al. World J. Surg. 2012 Jun;36(6):1389-94; Speak R et al. Endocrinol Diabetes Metab. Case Rep. 2016 Nov;2016; Giacch&eacute; M et al. Hum Mutat, 2019 07;40:926-937; Ambry internal data). This amino acid position is highly conserved in available vertebrate species. In addition, this alteration is predicted to be deleterious by in silico analysis. This variant is considered to be rare based on population cohorts in the Genome Aggregation Database (gnomAD). Based on the majority of available evidence to date, this variant is likely to be pathogenic.

Labcorp Genetics (formerly Invitae), Labcorp
Classification: Pathogenic for Multiple endocrine neoplasia, type 2. Last evaluated: 2024-03-30. Review status: criteria provided, single submitter. Criteria: Invitae Variant Classification Sherloc (09022015). Collection method: clinical testing. Allele origin: germline.
Comment: This sequence change replaces cysteine, which is neutral and slightly polar, with tryptophan, which is neutral and slightly polar, at codon 609 of the RET protein (p.Cys609Trp). This variant is not present in population databases (gnomAD no frequency). This missense change has been observed in individual(s) with Hirschsprung disease and/or medullary thyroid cancer (PMID: 7881414, 30763276). It has also been observed to segregate with disease in related individuals. ClinVar contains an entry for this variant (Variation ID: 2497944). An algorithm developed to predict the effect of missense changes on protein structure and function (PolyPhen-2) suggests that this variant is likely to be disruptive. Experimental studies have shown that this missense change affects RET function (PMID: 9230192, 9502784, 10921886). This variant disrupts the p.Cys609 amino acid residue in RET. Other variant(s) that disrupt this residue have been determined to be pathogenic (PMID: 9681851, 16715139, 19472011, 21986619, 24617864). This suggests that this residue is clinically significant, and that variants that disrupt this residue are likely to be disease-causing. For these reasons, this variant has been classified as Pathogenic.

GeneDx
Classification: Pathogenic. Last evaluated: 2022-10-10. Review status: criteria provided, single submitter. Criteria: GeneDx Variant Classification Process June 2021. Collection method: clinical testing. Allele origin: germline. Affected: yes.
Comment: Published functional studies demonstrate a damaging effect: low transforming activity, reduced cell-surface expression, and altered apoptosis (Ito et al., 1997; Pelet et al., 1998; Bordeaux et al., 2000); In silico analysis supports that this missense variant has a deleterious effect on protein structure/function; Not observed at significant frequency in large population cohorts (gnomAD); This variant is associated with the following publications: (PMID: 9174404, 10921886, 9502784, 14633923, 30763276, 7581377, 11694544, 9230192, 7881414)

Literature cited by the submitters: PubMed 28946813 (cited by Ambry Genetics); PubMed 7881414 (cited by Ambry Genetics and Labcorp Genetics (formerly Invitae), Labcorp); PubMed 30763276 (cited by Labcorp Genetics (formerly Invitae), Labcorp); PubMed 9230192 (cited by Labcorp Genetics (formerly Invitae), Labcorp); PubMed 9502784 (cited by Labcorp Genetics (formerly Invitae), Labcorp); PubMed 10921886 (cited by Labcorp Genetics (formerly Invitae), Labcorp); PubMed 9681851 (cited by Labcorp Genetics (formerly Invitae), Labcorp); PubMed 16715139 (cited by Labcorp Genetics (formerly Invitae), Labcorp); PubMed 19472011 (cited by Labcorp Genetics (formerly Invitae), Labcorp); PubMed 21986619 (cited by Labcorp Genetics (formerly Invitae), Labcorp); PubMed 24617864 (cited by Labcorp Genetics (formerly Invitae), Labcorp).

NM_020975.6(RET):c.1827C>G (p.Cys609Trp)

Gene: RET (ret proto-oncogene; plus strand). Cytogenetic location: 10q11.21.
Variant type: single nucleotide variant.
Coding change: c.1827C>G on transcript NM_020975.6 (MANE Select); coding-DNA position 1827, C replaced by G.
Protein change: p.Cys609Trp; replaces cysteine 609 with tryptophan.
Molecular consequence: missense variant.
Genome position (GRCh38, 1-based): chr10:43,113,623, C>G. VCF-style: chr10-43113623-C-G. GRCh37 (hg19) VCF-style: chr10-43609071-C-G.
Other names: c.1827C>G, p.Cys609Trp (NM_000323.2, NM_001406743.1, NM_001406744.1 and 6 more transcripts); c.1065C>G, p.Cys355Trp (NM_001355216.2); c.1698C>G, p.Cys566Trp (NM_001406761.1, NM_001406762.1, NM_001406764.1 and 1 more transcripts); c.1539C>G, p.Cys513Trp (NM_001406766.1, NM_001406767.1, NM_001406770.1); c.1431C>G, p.Cys477Trp (NM_001406769.1, NM_001406772.1); c.1389C>G, p.Cys463Trp (NM_001406771.1, NM_001406773.1); c.1302C>G, p.Cys434Trp (NM_001406774.1); c.1101C>G, p.Cys367Trp (NM_001406775.1, NM_001406776.1, NM_001406777.1 and 1 more transcripts); and 5 more; short protein forms C355W, C310W, C367W, C477W, C214W, C267W, C434W, C513W.
Identifiers: ClinVar variation 2497944 (VCV002497944.4), dbSNP rs377767396, ClinGen allele CA007855.
Genomic context (GRCh38, chr10:43,113,623, plus strand): 5'-CATTGTTGGGGGACACGAGCCTGGGGAGCCCCGGGGGATTAAAGCTGGCTATGGCACCTG[C>G]AACTGCTTCCCTGAGGAGGAGAAGTGCTTCTGCGAGCCCGAAGACATCCAGGGTGAGTGG-3'
Protein context (NP_066124.1, residues 599-619): PRGIKAGYGT[Cys609Trp]NCFPEEEKCF